The following is an entry in ClinVar:

ClinVar aggregate classification (germline): Likely pathogenic. Review status: criteria provided, multiple submitters, no conflicts (2 of 4 stars). 2 submissions from 2 submitters: Likely pathogenic (2). Last evaluated 2025-11-27.

Conditions:
Ehlers-Danlos syndrome, type 4 (EDSVASC). Also called: Ehlers-Danlos Syndrome Type IV; Ehlers-Danlos syndrome vascular type; Ehlers Danlos syndrome, ecchymotic type; Ehlers Danlos syndrome, arterial type; Ehlers Danlos syndrome, Sack-Barabas type. Identifiers: Orphanet 286, MedGen C0268338, MONDO:0017314, OMIM 130050.

Submissions (2):

Dasa
Classification: Likely pathogenic. Last evaluated: 2025-11-27. Review status: criteria provided, single submitter. Criteria: DASA Assertion Criteria. Collection method: clinical testing. Allele origin: germline.
Comment: NM_000090.4(COL3A1):c.1240G>A (p.Gly414Ser) is a missense variant that results in the substitution of glycine with serine. The affected residue or protein region has prior evidence supporting clinical relevance. This variant has been reported in individuals with COL3A1-related disorders. Also, this variant is absent from population databases. Computational evidence supports a deleterious effect. Based on the currently available evidence, this variant is classified as likely pathogenic.

Labcorp Genetics (formerly Invitae), Labcorp
Classification: Likely pathogenic for Ehlers-Danlos syndrome, type 4. Last evaluated: 2023-11-21. Review status: criteria provided, single submitter. Criteria: Invitae Variant Classification Sherloc (09022015). Collection method: clinical testing. Allele origin: germline.
Comment: This sequence change replaces glycine, which is neutral and non-polar, with serine, which is neutral and polar, at codon 414 of the COL3A1 protein (p.Gly414Ser). This variant is not present in population databases (gnomAD no frequency). This missense change has been observed in individual(s) with clinical features of COL3A1-related conditions (Invitae). Advanced modeling of protein sequence and biophysical properties (such as structural, functional, and spatial information, amino acid conservation, physicochemical variation, residue mobility, and thermodynamic stability) performed at Invitae indicates that this missense variant is expected to disrupt COL3A1 protein function with a positive predictive value of 95%. This variant disrupts the triple helix domain of COL3A1. Glycine residues within the Gly-Xaa-Yaa repeats of the triple helix domain are required for the structure and stability of fibrillar collagens (PMID: 7695699, 8218237, 19344236). In COL3A1, variants that affect these glycine residues are significantly enriched in individuals with disease (PMID: 24922459, 25758994) compared to the general population (ExAC). In summary, the currently available evidence indicates that the variant is pathogenic, but additional data are needed to prove that conclusively. Therefore, this variant has been classified as Likely Pathogenic.

Literature cited by the submitters: PubMed 7695699 (cited by Labcorp Genetics (formerly Invitae), Labcorp); PubMed 8218237 (cited by Labcorp Genetics (formerly Invitae), Labcorp); PubMed 19344236 (cited by Labcorp Genetics (formerly Invitae), Labcorp); PubMed 24922459 (cited by Labcorp Genetics (formerly Invitae), Labcorp); PubMed 25758994 (cited by Labcorp Genetics (formerly Invitae), Labcorp).

NM_000090.4(COL3A1):c.1240G>A (p.Gly414Ser)

Gene: COL3A1 (collagen type III alpha 1 chain; plus strand). Cytogenetic location: 2q32.2.
Variant type: single nucleotide variant.
Coding change: c.1240G>A on transcript NM_000090.4 (MANE Select); coding-DNA position 1240, G replaced by A.
Protein change: p.Gly414Ser; replaces glycine 414 with serine.
Molecular consequence: missense variant.
Genome position (GRCh38, 1-based): chr2:188,994,279, G>A. VCF-style: chr2-188994279-G-A. GRCh37 (hg19) VCF-style: chr2-189859005-G-A.
Other names: short protein forms G414S.
Identifiers: ClinVar variation 2798833 (VCV002798833.5), dbSNP rs587779485, ClinGen allele CA349851430.